The following continues an entry in ClinVar:

NM_005476.7(GNE):c.2135T>C (p.Met712Thr)

Gene: GNE. ClinVar aggregate classification (germline): Pathogenic. Pathogenic (19).

Submissions 11 to 26 of 26:

Kariminejad - Najmabadi Pathology & Genetics Center
Classification: Pathogenic for Sialuria. Last evaluated: 2022-05-19. Review status: criteria provided, single submitter. Criteria: ACMG Guidelines, 2015. Collection method: clinical testing. Allele origin: germline. Inheritance: Autosomal recessive inheritance. Affected: yes. Observed: 3 variant alleles.
Comment: PS3, PS4, PM2, PM3, PP3

Kariminejad - Najmabadi Pathology & Genetics Center
Classification: Pathogenic for GNE myopathy. Last evaluated: 2021-10-27. Review status: criteria provided, single submitter. Criteria: ACMG Guidelines, 2015. Collection method: clinical testing. Allele origin: germline. Inheritance: Autosomal recessive inheritance. Affected: yes. Observed: 4 variant alleles.
Comment: PS3 PM2 PP2 PP3 PP5(strong)

Department of Pathology and Laboratory Medicine, Sinai Health System
Classification: Pathogenic for Sialuria; GNE myopathy; Thrombocytopenia 12 with or without myopathy. Last evaluated: 2021-07-30. Review status: criteria provided, single submitter. Criteria: ACMG Guidelines, 2015. Collection method: research. Allele origin: germline.

Genome-Nilou Lab
Classification: Pathogenic for Sialuria. Last evaluated: 2021-07-22. Review status: criteria provided, single submitter. Criteria: ACMG Guidelines, 2015. Collection method: clinical testing. Allele origin: germline. Affected: no.

Myriad Genetics, Inc.
Classification: Pathogenic for GNE myopathy. Last evaluated: 2019-12-20. Review status: criteria provided, single submitter. Criteria: Myriad Women's Health Autosomal Recessive and X-Linked Classification Criteria (2019). Collection method: clinical testing. Allele origin: unknown.
Comment: NM_005476.5(GNE):c.2135T>C(M712T) is classified as pathogenic in the context of GNE myopathy. Sources cited for classification include the following: PMID 21873062, 11528398, 12497639, 20300792 and 15987957. Classification of NM_005476.5(GNE):c.2135T>C(M712T) is based on the following criteria: This is a well-established pathogenic variant in the literature that has been observed more frequently in patients with clinical diagnoses than in healthy populations. Please note: this variant was assessed in the context of healthy population screening.â€šÃ„Ã¶âˆšÃ‘âˆšÂ£

Mayo Clinic Laboratories, Mayo Clinic
Classification: Pathogenic. Last evaluated: 2019-12-09. Review status: criteria provided, single submitter. Criteria: ACMG Guidelines, 2015. Collection method: clinical testing. Allele origin: germline. Observed: 1 variant allele.
Comment: PS3, PS4_moderate, PM2, PM3, PP5

Eurofins Ntd Llc (ga)
Classification: Pathogenic. Last evaluated: 2017-04-10. Review status: criteria provided, single submitter. Criteria: EGL Classification Definitions 2015. Collection method: clinical testing. Allele origin: germline. Observed: 18 variant alleles, 6 heterozygotes, 12 homozygotes.

Baylor Genetics
Classification: Pathogenic for GNE myopathy; Sialuria. Review status: criteria provided, single submitter. Criteria: ACMG Guidelines, 2015. Collection method: clinical testing. Allele origin: germline.

Hadassah Hebrew University Medical Center
Classification: Pathogenic for GNE myopathy. Review status: criteria provided, single submitter. Criteria: ACMG Guidelines, 2015. Collection method: clinical testing. Allele origin: germline. Inheritance: Autosomal recessive inheritance. Affected: yes.

PreventionGenetics, part of Exact Sciences
Classification: Pathogenic for GNE-related condition. Last evaluated: 2024-08-05. Review status: no assertion criteria provided. Collection method: clinical testing. Allele origin: germline. Not counted in ClinVar's aggregate classification.
Comment: The GNE c.2228T>C variant is predicted to result in the amino acid substitution p.Met743Thr. This variant is also known as (g.36217396A>G, c.2135T>C, p.Met712Thr with alternative transcript NM_005476.5). This variant has been reported as a pathogenic founder variant in certain populations (Persian-Jewish) and is well documented to be causative for GNE myopathy (Eisenberg et al. 2001. PubMed ID: 11528398; Mori-Yoshimura et al. 2012. PubMed ID: 22507750; Haghighi et al. 2016. PubMed ID: 25966635). Enzymatic studies and mouse models with the c.2228T>C variant support the pathogenicity of this variant (Sparks et al. 2005. PubMed ID: 15987957; Patzel et al. 2014. PubMed ID: 24136589). This variant is reported in 0.0033% of alleles in individuals of South Asian descent in gnomAD and is interpreted as pathogenic in ClinVar by many outside laboratories. This variant is interpreted as pathogenic for recessive GNE myopathy.

Biochemical Molecular Genetic Laboratory, King Abdulaziz Medical City
Classification: Pathogenic for GNE myopathy. Last evaluated: 2020-02-05. Review status: no assertion criteria provided. Collection method: clinical testing. Allele origin: germline. Affected: yes. Not counted in ClinVar's aggregate classification.

Department of Rehabilitation Medicine, Incheon St. Mary’s Hospital, College of Medicine, The Catholic University of Korea
Classification: Pathogenic for GNE myopathy. Last evaluated: 2019-02-11. Review status: no assertion criteria provided. Collection method: research. Allele origin: inherited. Inheritance: Autosomal recessive inheritance. Affected: yes. Observed: 1 homozygote. Not counted in ClinVar's aggregate classification.

Sema4
Classification: Pathogenic for Inclusion body myopathy 2. Last evaluated: 2014-11-01. Review status: no assertion criteria provided. Collection method: clinical testing. Allele origin: germline. Inheritance: Autosomal recessive inheritance. Affected: yes. Observed: 8 variant alleles, 8 homozygotes. Not counted in ClinVar's aggregate classification.
Comment: 8 patients from 7 non-Jewish Persian families were homozygous for this variant

OMIM
Classification: Pathogenic for NONAKA MYOPATHY. Last evaluated: 2004-05-11. Review status: no assertion criteria provided. Collection method: literature only. Allele origin: germline. Not counted in ClinVar's aggregate classification.

FirmaLab
Classification: Pathogenic for GNE myopathy. Review status: no assertion criteria provided. Collection method: clinical testing. Allele origin: germline. Not counted in ClinVar's aggregate classification.

GeneReviews
No classification provided. Condition: GNE myopathy. Review status: no classification provided. Collection method: literature only. Allele origin: germline. Not counted in ClinVar's aggregate classification.

Literature cited by the submitters: PubMed 11528398 (cited by 6 submitters); PubMed 15670773 (cited by 3 submitters); PubMed 15147877 (cited by 3billion and Labcorp Genetics (formerly Invitae), Labcorp); PubMed 27858732 (cited by Natera, Inc.); PubMed 20300792 (cited by Labcorp Genetics (formerly Invitae), Labcorp and Myriad Genetics, Inc.); PubMed 23278550 (cited by Labcorp Genetics (formerly Invitae), Labcorp); PubMed 24136589 (cited by Women's Health and Genetics/Laboratory Corporation of America, LabCorp); PubMed 12743242 (cited by 3 submitters); PubMed 21873062 (cited by Myriad Genetics, Inc.); PubMed 12497639 (cited by Myriad Genetics, Inc.); PubMed 15987957 (cited by Myriad Genetics, Inc. and Eurofins Ntd Llc (ga)); PubMed 12473780 (cited by Mayo Clinic Laboratories, Mayo Clinic and OMIM); PubMed 15136692 (cited by Mayo Clinic Laboratories, Mayo Clinic and OMIM); PubMed 22322304 (cited by Mayo Clinic Laboratories, Mayo Clinic); PubMed 24027297 (cited by GeneReviews); PubMed 12473753 (cited by GeneReviews); PubMed 27829678 (cited by GeneReviews); PubMed 20301439 (cited by GeneReviews).